The following is an entry in ClinVar:

ClinVar aggregate classification (germline): Uncertain significance (1 of 4 stars; one submission).

Submission:

Ambry Genetics
Classification: Uncertain significance. Last evaluated: 2025-08-01. Review status: criteria provided, single submitter. Criteria: Ambry Variant Classification Scheme 2023. Collection method: clinical testing. Allele origin: germline.
Comment: The p.G327E variant (also known as c.980G>A), located in coding exon 8 of the RNF43 gene, results from a G to A substitution at nucleotide position 980. The glycine at codon 327 is replaced by glutamic acid, an amino acid with similar properties. This amino acid position is conserved. In addition, this alteration is predicted to be tolerated by in silico analysis. Based on the available evidence, the clinical significance of this variant remains unclear.

NM_017763.6(RNF43):c.980G>A (p.Gly327Glu)

Gene: RNF43 (ring finger protein 43; minus strand). Cytogenetic location: 17q22.
Variant type: single nucleotide variant.
Coding change: c.980G>A on transcript NM_017763.6 (MANE Select); coding-DNA position 980, G replaced by A.
Protein change: p.Gly327Glu; replaces glycine 327 with glutamic acid.
Molecular consequence: missense variant.
Genome position (GRCh38, 1-based): chr17:58,358,796, C>T on the plus strand (G>A on the coding strand, the complement: RNF43 is on the minus strand). VCF-style: chr17-58358796-C-T. GRCh37 (hg19) VCF-style: chr17-56436157-C-T.
Other names: c.980G>A, p.Gly327Glu (NM_001305544.3); c.599G>A, p.Gly200Glu (NM_001305545.2); short protein forms G200E, G327E.
Identifiers: ClinVar variation 3434553 (VCV003434553.2).